The following is an entry in ClinVar:

NM_000901.5(NR3C2):c.526G>A (p.Val176Ile)

Gene: NR3C2 (nuclear receptor subfamily 3 group C member 2; minus strand). Cytogenetic location: 4q31.23.
Variant type: single nucleotide variant.
Coding change: c.526G>A on transcript NM_000901.5 (MANE Select); coding-DNA position 526, G replaced by A.
Protein change: p.Val176Ile; replaces valine 176 with isoleucine.
Molecular consequence: missense variant. On other transcripts: non-coding transcript variant (1).
Genome position (GRCh38, 1-based): chr4:148,436,335, C>T on the plus strand (G>A on the coding strand, the complement: NR3C2 is on the minus strand). VCF-style: chr4-148436335-C-T. GRCh37 (hg19) VCF-style: chr4-149357487-C-T.
Other names: c.526G>A, p.Val176Ile (NM_001166104.2, NM_001354819.1); short protein forms V176I.
Identifiers: ClinVar variation 3771649 (VCV003771649.13).
Genomic context (GRCh38, chr4:148,436,335, plus strand): 5'-TGCAAACAGACGGGCTTTTCTCATGACACATGATAGGGCTTTTAACAACGGCGCGCATGA[C>T]GCCACCATTCACGGAGCTCCCAGAGTCAGACATAAATGATCTCAAGGGCGTGTTCACACA-3'
Protein context (NP_000892.2, residues 166-186): SDSGSSVNGG[Val176Ile]MRAVVKSPIM

ClinVar aggregate classification (germline): Likely benign (1 of 4 stars; one submission).

gnomAD v4.1: 93 of 1,614,032 alleles (0.0058%); highest among the groups gnomAD compares: Non-Finnish European, 0.0067%; no homozygotes.

Submission:

CeGaT Center for Human Genetics Tuebingen
Classification: Likely benign. Last evaluated: 2025-01-01. Review status: criteria provided, single submitter. Criteria: CeGaT Center For Human Genetics Tuebingen Variant Classification Criteria Version 2. Collection method: clinical testing. Allele origin: germline. Affected: yes. Observed: 1 variant allele.
Comment: NR3C2: BP4